The following is an entry in ClinVar:

NM_147127.5(EVC2):c.2137C>G (p.Leu713Val)

Gene: EVC2 (EvC ciliary complex subunit 2; minus strand). Cytogenetic location: 4p16.2.
Variant type: single nucleotide variant.
Coding change: c.2137C>G on transcript NM_147127.5 (MANE Select); coding-DNA position 2137, C replaced by G.
Protein change: p.Leu713Val; replaces leucine 713 with valine.
Molecular consequence: missense variant.
Genome position (GRCh38, 1-based): chr4:5,622,901, G>C on the plus strand (C>G on the coding strand, the complement: EVC2 is on the minus strand). VCF-style: chr4-5622901-G-C. GRCh37 (hg19) VCF-style: chr4-5624628-G-C.
Other names: c.1897C>G, p.Leu633Val (NM_001166136.2); short protein forms L633V, L713V.
Identifiers: ClinVar variation 906288 (VCV000906288.7), dbSNP rs143662104, ClinGen allele CA2834795.

ClinVar aggregate classification (germline): Uncertain significance. Review status: criteria provided, multiple submitters, no conflicts (2 of 4 stars). 4 submissions from 4 submitters: Uncertain significance (4). Last evaluated 2025-01-18.

Conditions:
Inborn genetic diseases. Identifiers: MedGen C0950123, MeSH D030342.
Ellis-van Creveld syndrome (EVC). Also called: EVC-Related Ellis-van Creveld Syndrome; EVC2-Related Ellis-van Creveld Syndrome; MESOECTODERMAL DYSPLASIA; Chondroectodermal dysplasia. Identifiers: Orphanet 289, MedGen C0013903, MONDO:0009162, OMIM 225500.
Curry-Hall syndrome (WAD). Also called: WEYERS ACRODENTAL DYSOSTOSIS. Identifiers: Orphanet 952, MedGen C0457013, MONDO:0008673, OMIM 193530.

Allele frequency attached by ClinVar (database versions not stated): TOPMed 0.00002; ESP Exome Variant Server 0.00008.
gnomAD v4.1: 97 of 1,614,084 alleles (0.006%); highest among the groups gnomAD compares: Middle Eastern, 0.016%; no homozygotes.

Submissions (4):

Ambry Genetics
Classification: Uncertain significance for Inborn genetic diseases. Last evaluated: 2025-01-18. Review status: criteria provided, single submitter. Criteria: Ambry Variant Classification Scheme 2023. Collection method: clinical testing. Allele origin: germline.

Labcorp Genetics (formerly Invitae), Labcorp
Classification: Uncertain significance for Curry-Hall syndrome; Ellis-van Creveld syndrome. Last evaluated: 2025-01-13. Review status: criteria provided, single submitter. Criteria: Invitae Variant Classification Sherloc (09022015). Collection method: clinical testing. Allele origin: germline.
Comment: This sequence change replaces leucine, which is neutral and non-polar, with valine, which is neutral and non-polar, at codon 713 of the EVC2 protein (p.Leu713Val). The frequency data for this variant in the population databases is considered unreliable, as metrics indicate poor data quality at this position in the gnomAD database. This variant has not been reported in the literature in individuals affected with EVC2-related conditions. ClinVar contains an entry for this variant (Variation ID: 906288). An algorithm developed to predict the effect of missense changes on protein structure and function outputs the following: PolyPhen-2: "Benign". The valine amino acid residue is found in multiple mammalian species, which suggests that this missense change does not adversely affect protein function. In summary, the available evidence is currently insufficient to determine the role of this variant in disease. Therefore, it has been classified as a Variant of Uncertain Significance.

GeneDx
Classification: Uncertain significance. Last evaluated: 2021-10-11. Review status: criteria provided, single submitter. Criteria: GeneDx Variant Classification Process June 2021. Collection method: clinical testing. Allele origin: germline. Affected: yes.
Comment: In silico analysis supports that this missense variant does not alter protein structure/function; Has not been previously published as pathogenic or benign to our knowledge

Illumina Laboratory Services, Illumina
Classification: Uncertain significance for Ellis-van Creveld syndrome. Last evaluated: 2018-01-12. Review status: criteria provided, single submitter. Criteria: ICSL Variant Classification Criteria 13 December 2019. Collection method: clinical testing. Allele origin: germline.